The following is an entry in ClinVar:

ClinVar aggregate classification (germline): Conflicting classifications of pathogenicity. Review status: criteria provided, conflicting classifications (1 of 4 stars). 7 submissions from 6 submitters: Uncertain significance (1); Likely benign (6). Last evaluated 2025-12-05.

Conditions:
Developmental and epileptic encephalopathy, 14 (DEE14). Also called: Early infantile epileptic encephalopathy 14. Identifiers: Orphanet 293181, MedGen C3554195, MONDO:0013989, OMIM 614959.
Inborn genetic diseases. Identifiers: MedGen C0950123, MeSH D030342.
Autosomal dominant nocturnal frontal lobe epilepsy 5. Also called: KCNT1-Related Epilepsy; CILIARY DYSKINESIA, PRIMARY, 28, WITHOUT SITUS INVERSUS; CILIARY DYSKINESIA, PRIMARY, 28, WITH SITUS INVERSUS; Epilepsy, nocturnal frontal lobe, 5. Identifiers: Orphanet 98784, MedGen C3554306, MONDO:0014002, OMIM 615005.

Allele frequency attached by ClinVar (database versions not stated): gnomAD 0.00004; TOPMed 0.00006; gnomAD exomes 0.00008 and 0.00016; 1000 Genomes Project 30x 0.00016; 1000 Genomes Project 0.00020; ESP Exome Variant Server 0.00026; ExAC 0.00028.
gnomAD v4.1: 126 of 1,602,106 alleles (0.0079%); highest among the groups gnomAD compares: South Asian, 0.035%; 1 homozygote.

Submissions (7):

Labcorp Genetics (formerly Invitae), Labcorp
Classification: Likely benign for Autosomal dominant nocturnal frontal lobe epilepsy 5; Developmental and epileptic encephalopathy, 14. Last evaluated: 2025-12-05. Review status: criteria provided, single submitter. Criteria: Invitae Variant Classification Sherloc (09022015). Collection method: clinical testing. Allele origin: germline.

Blueprint Genetics
Classification: Likely benign. Last evaluated: 2024-01-09. Review status: criteria provided, single submitter. Criteria: ACMG Guidelines, 2015. Collection method: clinical testing. Allele origin: germline.

Ambry Genetics
Classification: Likely benign for Inborn genetic diseases. Last evaluated: 2023-10-13. Review status: criteria provided, single submitter. Criteria: Ambry Variant Classification Scheme 2023. Collection method: clinical testing. Allele origin: germline.

Genome-Nilou Lab
Classification: Likely benign for Developmental and epileptic encephalopathy, 14. Last evaluated: 2022-03-15. Review status: criteria provided, single submitter. Criteria: ACMG Guidelines, 2015. Collection method: clinical testing. Allele origin: germline. Affected: no.

Genome-Nilou Lab
Classification: Likely benign for Autosomal dominant nocturnal frontal lobe epilepsy 5. Last evaluated: 2022-03-15. Review status: criteria provided, single submitter. Criteria: ACMG Guidelines, 2015. Collection method: clinical testing. Allele origin: germline. Affected: no.

Revvity Omics, Revvity
Classification: Uncertain significance. Last evaluated: 2020-07-09. Review status: criteria provided, single submitter. Criteria: ACMG Guidelines, 2015. Collection method: clinical testing. Allele origin: germline.

GeneDx
Classification: Likely benign. Last evaluated: 2016-12-22. Review status: criteria provided, single submitter. Criteria: GeneDx Variant Classification (06012015). Collection method: clinical testing. Allele origin: germline. Affected: yes.
Comment: This variant is considered likely benign or benign based on one or more of the following criteria: it is a conservative change, it occurs at a poorly conserved position in the protein, it is predicted to be benign by multiple in silico algorithms, and/or has population frequency not consistent with disease.

NM_020822.3(KCNT1):c.3289G>A (p.Gly1097Ser)

Gene: KCNT1 (potassium sodium-activated channel subfamily T member 1; plus strand). Cytogenetic location: 9q34.3.
Variant type: single nucleotide variant.
Coding change: c.3289G>A on transcript NM_020822.3 (MANE Select); coding-DNA position 3289, G replaced by A.
Protein change: p.Gly1097Ser; replaces glycine 1097 with serine.
Molecular consequence: missense variant.
Genome position (GRCh38, 1-based): chr9:135,786,308, G>A. VCF-style: chr9-135786308-G-A. GRCh37 (hg19) VCF-style: chr9-138678154-G-A.
Other names: c.3154G>A, p.Gly1052Ser (NM_001272003.2); short protein forms G1097S, G1052S.
Identifiers: ClinVar variation 392065 (VCV000392065.16), dbSNP rs199779214, ClinGen allele CA5327771.